The following is an entry in ClinVar:

NM_018139.3(DNAAF2):c.1687G>T (p.Ala563Ser)

Gene: DNAAF2 (dynein axonemal assembly factor 2; minus strand). Cytogenetic location: 14q21.3.
Variant type: single nucleotide variant.
Coding change: c.1687G>T on transcript NM_018139.3 (MANE Select); coding-DNA position 1687, G replaced by T.
Protein change: p.Ala563Ser; replaces alanine 563 with serine.
Molecular consequence: missense variant. On other transcripts: intron variant (1).
Genome position (GRCh38, 1-based): chr14:49,633,463, C>A on the plus strand (G>T on the coding strand, the complement: DNAAF2 is on the minus strand). VCF-style: chr14-49633463-C-A. GRCh37 (hg19) VCF-style: chr14-50100181-C-A.
Other names: c.1687G>T, p.Ala563Ser (NM_001083908.2); c.-205+20G>T (NM_001378453.1); short protein forms A563S.
Identifiers: ClinVar variation 313277 (VCV000313277.20), dbSNP rs138511448, ClinGen allele CA7172845.
Genomic context (GRCh38, chr14:49,633,463, plus strand): 5'-TGGTACTCAATTTATTCTCTGGAGCAAATTGCAAAAAGAAGGAATAAACTAAGTCTTGTG[C>A]GGAGAAGCGTAATTTGTACCAGAGGGGATTCAAATCTCCTTGAAGACTTTGCGGCTGGAT-3'
Protein context (NP_060609.2, residues 553-573): NPLWYKLRFS[Ala563Ser]QDLVYSFFLQ

ClinVar aggregate classification (germline): Conflicting classifications of pathogenicity. Review status: criteria provided, conflicting classifications (1 of 4 stars). 4 submissions from 4 submitters: Uncertain significance (1); Benign (1); Likely benign (1). 1 of the submissions does not count toward it. Last evaluated 2025-09-15.

Conditions:
Primary ciliary dyskinesia 10. Also called: CILIARY DYSKINESIA, PRIMARY, 10, WITH OR WITHOUT SITUS INVERSUS. Identifiers: Orphanet 244, MedGen C2675867, MONDO:0012918, OMIM 612518.
DNAAF2-related disorder. Also called: DNAAF2-related condition.
Primary ciliary dyskinesia. Also called: Ciliary dyskinesia. Identifiers: Orphanet 244, MedGen C0008780, MONDO:0016575, HP:0012265.

Allele frequency attached by ClinVar (database versions not stated): gnomAD exomes 0.00010 and 0.00035; gnomAD 0.00016 and 0.00025; ExAC 0.00031; TOPMed 0.00039; 1000 Genomes Project 0.00100; 1000 Genomes Project 30x 0.00125.
gnomAD v4.1: 192 of 1,614,036 alleles (0.012%); highest among the groups gnomAD compares: East Asian, 0.33%; 2 homozygotes.

Submissions (4):

Labcorp Genetics (formerly Invitae), Labcorp
Classification: Likely benign for Primary ciliary dyskinesia. Last evaluated: 2025-09-15. Review status: criteria provided, single submitter. Criteria: Invitae Variant Classification Sherloc (09022015). Collection method: clinical testing. Allele origin: germline.

Illumina Laboratory Services, Illumina
Classification: Uncertain significance for Primary ciliary dyskinesia 10. Last evaluated: 2018-01-12. Review status: criteria provided, single submitter. Criteria: ICSL Variant Classification Criteria 13 December 2019. Collection method: clinical testing. Allele origin: germline.

Ambry Genetics
Classification: Benign for Primary ciliary dyskinesia. Last evaluated: 2017-02-09. Review status: criteria provided, single submitter. Criteria: Ambry Variant Classification Scheme 2023. Collection method: clinical testing. Allele origin: germline.

PreventionGenetics, part of Exact Sciences
Classification: Likely benign for DNAAF2-related condition. Last evaluated: 2022-04-29. Review status: no assertion criteria provided. Collection method: clinical testing. Allele origin: germline. Not counted in ClinVar's aggregate classification.
Comment: This variant is classified as likely benign based on ACMG/AMP sequence variant interpretation guidelines (Richards et al. 2015 PMID: 25741868, with internal and published modifications).